The following is an entry in ClinVar:

NM_016169.4(SUFU):c.642G>A (p.Trp214Ter)

Gene: SUFU (SUFU negative regulator of hedgehog signaling; plus strand). Cytogenetic location: 10q24.32.
Variant type: single nucleotide variant.
Coding change: c.642G>A on transcript NM_016169.4 (MANE Select); coding-DNA position 642, G replaced by A.
Protein change: p.Trp214Ter; replaces tryptophan 214 with a stop codon.
Molecular consequence: nonsense.
Genome position (GRCh38, 1-based): chr10:102,593,680, G>A. VCF-style: chr10-102593680-G-A. GRCh37 (hg19) VCF-style: chr10-104353437-G-A.
Other names: c.642G>A, p.Trp214Ter (NM_001178133.2); short protein forms W214*.
Identifiers: ClinVar variation 2136929 (VCV002136929.5), dbSNP rs2135870609, ClinGen allele CA377909516.
Genomic context (GRCh38, chr10:102,593,680, plus strand): 5'-CTATCCTGGGCCTCAGATCGTTGGTGTCTGCACTGAAGAGCTACACTCAGCCCAGCAGTG[G>A]AACGGGCAGGGCATCCTGGAGCTGCTGCGGACAGTGCCTATGTGAGTACCCATGCAAGGT-3'

ClinVar aggregate classification (germline): Pathogenic. Review status: criteria provided, multiple submitters, no conflicts (2 of 4 stars). 2 submissions from 2 submitters: Pathogenic (2). Last evaluated 2026-03-19.

Conditions:
Gorlin syndrome. Also called: Basal cell nevus syndrome; Nevoid Basal Cell Carcinoma Syndrome. Identifiers: Orphanet 377, MedGen C0004779, MONDO:0007187.
Medulloblastoma (MDB). Also called: Medulloblastoma, somatic; MEDULLOBLASTOMA PREDISPOSITION SYNDROME. Identifiers: Orphanet 616, MedGen C0025149, MeSH D008527, MONDO:0007959, OMIM 155255, HP:0002885.

Submissions (2):

GeneDx
Classification: Pathogenic. Last evaluated: 2026-03-19. Review status: criteria provided, single submitter. Criteria: GeneDx Variant Classification Process June 2021. Collection method: clinical testing. Allele origin: germline.
Comment: Nonsense variant predicted to result in protein truncation or nonsense mediated decay in a gene for which loss of function is a known mechanism of disease; Not observed at significant frequency in large population cohorts (gnomAD); This variant is associated with the following publications: (PMID: 24651015, 29753700)

Labcorp Genetics (formerly Invitae), Labcorp
Classification: Pathogenic for Gorlin syndrome; Medulloblastoma. Last evaluated: 2024-04-05. Review status: criteria provided, single submitter. Criteria: Invitae Variant Classification Sherloc (09022015). Collection method: clinical testing. Allele origin: germline.
Comment: This sequence change creates a premature translational stop signal (p.Trp214*) in the SUFU gene. It is expected to result in an absent or disrupted protein product. Loss-of-function variants in SUFU are known to be pathogenic (PMID: 22508808, 25403219, 33024317). This variant is not present in population databases (gnomAD no frequency). This premature translational stop signal has been observed in individual(s) with medulloblastoma (PMID: 24651015). ClinVar contains an entry for this variant (Variation ID: 2136929). For these reasons, this variant has been classified as Pathogenic.

Literature cited by the submitters: PubMed 22508808 (cited by Labcorp Genetics (formerly Invitae), Labcorp); PubMed 25403219 (cited by Labcorp Genetics (formerly Invitae), Labcorp); PubMed 33024317 (cited by Labcorp Genetics (formerly Invitae), Labcorp); PubMed 24651015 (cited by Labcorp Genetics (formerly Invitae), Labcorp).